The following is an entry in ClinVar:

NM_004656.4(BAP1):c.2079G>A (p.Glu693=)

Gene: BAP1 (BRCA1 associated deubiquitinase 1; minus strand). Cytogenetic location: 3p21.1.
Variant type: single nucleotide variant.
Coding change: c.2079G>A on transcript NM_004656.4 (MANE Select); coding-DNA position 2079, G replaced by A.
Protein change: p.Glu693=; no amino-acid change (glutamic acid 693 retained).
Molecular consequence: synonymous variant.
Genome position (GRCh38, 1-based): chr3:52,402,399, C>T on the plus strand (G>A on the coding strand, the complement: BAP1 is on the minus strand). VCF-style: chr3-52402399-C-T. GRCh37 (hg19) VCF-style: chr3-52436415-C-T.
Other names: c.2079G>A (NM_004656.2).
Identifiers: ClinVar variation 921892 (VCV000921892.12), dbSNP rs550500585, ClinGen allele CA74739886.

ClinVar aggregate classification (germline): Benign/Likely benign. Review status: criteria provided, multiple submitters, no conflicts (2 of 4 stars). 4 submissions from 4 submitters: Benign (1); Likely benign (3). Last evaluated 2025-11-25.

Conditions:
BAP1-related tumor predisposition syndrome (TPDS1). Also called: Tumor susceptibility linked to germline BAP1 mutations; COMMON Syndrome; TUMOR PREDISPOSITION SYNDROME 1; BAP1 tumor predisposition syndrome. Identifiers: Orphanet 289539, MedGen C3280492, MONDO:0013692, OMIM 614327.
Hereditary cancer-predisposing syndrome. Also called: Neoplastic Syndromes, Hereditary; Tumor predisposition; Hereditary Cancer Syndrome; Hereditary neoplastic syndrome. Identifiers: Orphanet 140162, MedGen C0027672, MeSH D009386, MONDO:0015356.

Allele frequency attached by ClinVar (database versions not stated): gnomAD 0.00001; gnomAD exomes 0.00001; TOPMed 0.00001.
gnomAD v4.1: 10 of 1,568,486 alleles (0.00064%); highest among the groups gnomAD compares: Non-Finnish European, 0.00086%; no homozygotes.

Submissions (4):

Labcorp Genetics (formerly Invitae), Labcorp
Classification: Likely benign for BAP1-related tumor predisposition syndrome. Last evaluated: 2025-11-25. Review status: criteria provided, single submitter. Criteria: Invitae Variant Classification Sherloc (09022015). Collection method: clinical testing. Allele origin: germline.

Myriad Genetics, Inc.
Classification: Benign for BAP1-related tumor predisposition syndrome. Last evaluated: 2024-07-18. Review status: criteria provided, single submitter. Criteria: Myriad Autosomal Dominant, Autosomal Recessive and X-Linked Classification Criteria (2023). Collection method: clinical testing. Allele origin: unknown.
Comment: This variant is considered benign. This variant is a silent/synonymous amino acid change and it is not expected to impact splicing.

Ambry Genetics
Classification: Likely benign for Hereditary cancer-predisposing syndrome. Last evaluated: 2023-02-23. Review status: criteria provided, single submitter. Criteria: Ambry Variant Classification Scheme 2023. Collection method: clinical testing. Allele origin: germline.

Color Diagnostics, LLC DBA Color Health
Classification: Likely benign for Hereditary cancer-predisposing syndrome. Last evaluated: 2019-04-03. Review status: criteria provided, single submitter. Criteria: ACMG Guidelines, 2015. Collection method: clinical testing. Allele origin: germline.